The following is an entry in ClinVar:

NM_001103.4(ACTN2):c.31A>C (p.Asn11His)

Gene: ACTN2 (actinin alpha 2; plus strand). Cytogenetic location: 1q43.
Variant type: single nucleotide variant.
Coding change: c.31A>C on transcript NM_001103.4 (MANE Select); coding-DNA position 31, A replaced by C.
Protein change: p.Asn11His; replaces asparagine 11 with histidine.
Molecular consequence: missense variant. On other transcripts: 5 prime UTR variant (1).
Genome position (GRCh38, 1-based): chr1:236,686,704, A>C. VCF-style: chr1-236686704-A-C. GRCh37 (hg19) VCF-style: chr1-236850004-A-C.
Other names: c.31A>C, p.Asn11His (NM_001278343.2); c.-791A>C (NM_001278344.2); short protein forms N11H.
Identifiers: ClinVar variation 296495 (VCV000296495.10), dbSNP rs886046205, ClinGen allele CA10610583.

ClinVar aggregate classification (germline): Uncertain significance. Review status: criteria provided, multiple submitters, no conflicts (2 of 4 stars). 3 submissions from 3 submitters: Uncertain significance (3). Last evaluated 2024-03-13.

Conditions:
Dilated cardiomyopathy 1AA (CMD1AA). Also called: CARDIOMYOPATHY, DILATED, 1AA, WITH OR WITHOUT LEFT VENTRICULAR NONCOMPACTION; CARDIOMYOPATHY, FAMILIAL HYPERTROPHIC, 23, WITH OR WITHOUT LEFT VENTRICULAR NONCOMPACTION; Cardiomyopathy, dilated, 1AA, with or without LVNC. Identifiers: Orphanet 154, MedGen C2677338, MONDO:0012808, OMIM 612158.
Cardiovascular phenotype. Identifiers: MedGen CN230736.
Primary familial hypertrophic cardiomyopathy (HCM). Identifiers: Orphanet 99739, MedGen C0949658, MeSH D024741, MONDO:0024573. Inheritance: Various modes of inheritance.

gnomAD v4.1: 1 of 1,566,958 alleles (0.000064%); highest among the groups gnomAD compares: Non-Finnish European, 0.000086%; no homozygotes.

Submissions (3):

Labcorp Genetics (formerly Invitae), Labcorp
Classification: Uncertain significance for Primary familial hypertrophic cardiomyopathy; Dilated cardiomyopathy 1AA. Last evaluated: 2024-03-13. Review status: criteria provided, single submitter. Criteria: Invitae Variant Classification Sherloc (09022015). Collection method: clinical testing. Allele origin: germline.
Comment: This sequence change replaces asparagine, which is neutral and polar, with histidine, which is basic and polar, at codon 11 of the ACTN2 protein (p.Asn11His). This variant is not present in population databases (gnomAD no frequency). This variant has not been reported in the literature in individuals affected with ACTN2-related conditions. ClinVar contains an entry for this variant (Variation ID: 296495). An algorithm developed to predict the effect of missense changes on protein structure and function (PolyPhen-2) suggests that this variant is likely to be tolerated. In summary, the available evidence is currently insufficient to determine the role of this variant in disease. Therefore, it has been classified as a Variant of Uncertain Significance.

Ambry Genetics
Classification: Uncertain significance for Cardiovascular phenotype. Last evaluated: 2022-09-05. Review status: criteria provided, single submitter. Criteria: Ambry Variant Classification Scheme 2023. Collection method: clinical testing. Allele origin: germline.
Comment: The p.N11H variant (also known as c.31A>C), located in coding exon 1 of the ACTN2 gene, results from an A to C substitution at nucleotide position 31. The asparagine at codon 11 is replaced by histidine, an amino acid with similar properties. This amino acid position is conserved. In addition, this alteration is predicted to be tolerated by in silico analysis. Since supporting evidence is limited at this time, the clinical significance of this alteration remains unclear.

Illumina Laboratory Services, Illumina
Classification: Uncertain significance for Dilated cardiomyopathy 1AA. Last evaluated: 2018-01-12. Review status: criteria provided, single submitter. Criteria: ICSL Variant Classification Criteria 13 December 2019. Collection method: clinical testing. Allele origin: germline.